The following is an entry in ClinVar:

ClinVar aggregate classification (germline): Uncertain significance (1 of 4 stars; one submission).

Conditions:
PLXNA4-related disorder. Also called: PLXNA4-related condition.

gnomAD v4.1: 5 of 1,614,036 alleles (0.00031%); highest among the groups gnomAD compares: African/African-American, 0.0013%; no homozygotes.

Submission:

PreventionGenetics, part of Exact Sciences
Classification: Uncertain significance for PLXNA4-related condition. Last evaluated: 2026-08-17. Review status: criteria provided, single submitter. Criteria: ACMG Guidelines, 2015. Collection method: clinical testing. Allele origin: germline.
Comment: The PLXNA4 c.1691A>G variant is predicted to result in the amino acid substitution p.His564Arg. To our knowledge, this variant has not been reported in the literature or in a large population database (gnomAD), indicating this variant is rare. At this time, the clinical significance of this variant is uncertain due to the absence of conclusive functional and genetic evidence.

NM_020911.2(PLXNA4):c.1691A>G (p.His564Arg)

Gene: PLXNA4 (plexin A4; minus strand). Cytogenetic location: 7q32.3.
Variant type: single nucleotide variant.
Coding change: c.1691A>G on transcript NM_020911.2 (MANE Select); coding-DNA position 1691, A replaced by G.
Protein change: p.His564Arg; replaces histidine 564 with arginine.
Molecular consequence: missense variant.
Genome position (GRCh38, 1-based): chr7:132,228,383, T>C on the plus strand (A>G on the coding strand, the complement: PLXNA4 is on the minus strand). VCF-style: chr7-132228383-T-C. GRCh37 (hg19) VCF-style: chr7-131913142-T-C.
Other names: c.1691A>G, p.His564Arg (NM_001393897.1); short protein forms H564R.
Identifiers: ClinVar variation 4985172 (VCV004985172.1).